The following is an entry in ClinVar:

NM_000516.7(GNAS):c.319G>C (p.Val107Leu)

Gene: GNAS (GNAS complex locus; plus strand). Cytogenetic location: 20q13.32.
Variant type: single nucleotide variant.
Coding change: c.319G>C on transcript NM_000516.7 (MANE Select); coding-DNA position 319, G replaced by C.
Protein change: p.Val107Leu; replaces valine 107 with leucine.
Molecular consequence: missense variant. On other transcripts: 3 prime UTR variant (2).
Genome position (GRCh38, 1-based): chr20:58,903,678, G>C. VCF-style: chr20-58903678-G-C. GRCh37 (hg19) VCF-style: chr20-57478733-G-C.
Other names: c.322G>C, p.Val108Leu (NM_001077488.5); c.274G>C, p.Val92Leu (NM_001077489.4); c.*180G>C (NM_001077490.3); c.142G>C, p.Val48Leu (NM_001309840.2, NM_001309861.2); c.*225G>C (NM_016592.5); c.2248G>C, p.Val750Leu (NM_080425.4); c.277G>C, p.Val93Leu (NM_080426.4); short protein forms V107L, V108L, V48L, V750L, V92L, V93L.
Identifiers: ClinVar variation 392186 (VCV000392186.2), dbSNP rs1057524389, ClinGen allele CA16609049.

ClinVar aggregate classification (germline): Uncertain significance (1 of 4 stars; one submission).

Submission:

GeneDx
Classification: Uncertain significance. Last evaluated: 2016-12-21. Review status: criteria provided, single submitter. Criteria: GeneDx Variant Classification (06012015). Collection method: clinical testing. Allele origin: germline. Affected: yes.
Comment: The V107L variant in the GNAS gene has not been reported previously as a pathogenic variant, nor as a benign variant, to our knowledge. The V107L variant was not observed in approximately 6,500 individuals of European and African American ancestry in the NHLBI Exome Sequencing Project, indicating it is not a common benign variant in these populations. The V107L variant is a conservative amino acid substitution, which is not likely to impact secondary protein structure as these residues share similar properties. This substitution occurs at a position that is conserved across species. In silico analysis is inconsistent in its predictions as to whether or not the variant is damaging to the protein structure/function. We interpret V107L as a variant of uncertain significance.